The following is an entry in ClinVar:

NM_000321.3(RB1):c.283A>G (p.Lys95Glu)

Gene: RB1 (RB transcriptional corepressor 1; plus strand). Cytogenetic location: 13q14.2.
Variant type: single nucleotide variant.
Coding change: c.283A>G on transcript NM_000321.3 (MANE Select); coding-DNA position 283, A replaced by G.
Protein change: p.Lys95Glu; replaces lysine 95 with glutamic acid.
Molecular consequence: missense variant.
Genome position (GRCh38, 1-based): chr13:48,342,617, A>G. VCF-style: chr13-48342617-A-G. GRCh37 (hg19) VCF-style: chr13-48916753-A-G.
Other names: c.283A>G, p.Lys95Glu (NM_001407165.1, NM_001407166.1); short protein forms K95E.
Identifiers: ClinVar variation 4826602 (VCV004826602.1).

ClinVar aggregate classification (germline): Uncertain significance (1 of 4 stars; one submission).

Conditions:
Hereditary cancer-predisposing syndrome. Also called: Neoplastic Syndromes, Hereditary; Tumor predisposition; Hereditary Cancer Syndrome; Hereditary neoplastic syndrome. Identifiers: Orphanet 140162, MedGen C0027672, MeSH D009386, MONDO:0015356.

Submission:

Ambry Genetics
Classification: Uncertain significance for Hereditary cancer-predisposing syndrome. Last evaluated: 2026-03-12. Review status: criteria provided, single submitter. Criteria: Ambry Variant Classification Scheme 2023. Collection method: clinical testing. Allele origin: germline.
Comment: The p.K95E variant (also known as c.283A>G), located in coding exon 3 of the RB1 gene, results from an A to G substitution at nucleotide position 283. The lysine at codon 95 is replaced by glutamic acid, an amino acid with similar properties. This amino acid position is conserved. In addition, the in silico prediction for this alteration is inconclusive. Based on the available evidence, the clinical significance of this variant remains unclear.